The following is an entry in ClinVar:

NM_000548.5(TSC2):c.1787T>A (p.Leu596His)

Gene: TSC2 (TSC complex subunit 2; plus strand). Cytogenetic location: 16p13.3.
Variant type: single nucleotide variant.
Coding change: c.1787T>A on transcript NM_000548.5 (MANE Select); coding-DNA position 1787, T replaced by A.
Protein change: p.Leu596His; replaces leucine 596 with histidine.
Molecular consequence: missense variant.
Genome position (GRCh38, 1-based): chr16:2,070,526, T>A. VCF-style: chr16-2070526-T-A. GRCh37 (hg19) VCF-style: chr16-2120527-T-A.
Other names: c.1787T>A, p.Leu596His (NM_001077183.3, NM_001114382.3, NM_001363528.2 and 3 more transcripts); c.1676T>A, p.Leu559His (NM_001318827.2); c.1640T>A, p.Leu547His (NM_001318829.2); c.1187T>A, p.Leu396His (NM_001318831.2); c.1820T>A, p.Leu607His (NM_001318832.2); short protein forms L559H, L396H, L596H, L547H, L607H.
Identifiers: ClinVar variation 838714 (VCV000838714.8), dbSNP rs45517200, ClinGen allele CA394272923.
Genomic context (GRCh38, chr16:2,070,526, plus strand): 5'-ACACCCTGCCTGCAAGCCACGCCACGCGTGTGTATGAGATGCTGGTCAGCCACATTCAGC[T>A]CCACTACAAGCACAGCTACACCCTGCCAATCGCGAGCAGCATCCGGCTGCAGGTATGGTG-3'
Protein context (NP_000539.2, residues 586-606): VYEMLVSHIQ[Leu596His]HYKHSYTLPI

ClinVar aggregate classification (germline): Uncertain significance. Review status: criteria provided, multiple submitters, no conflicts (2 of 4 stars). 2 submissions from 2 submitters: Uncertain significance (2). Last evaluated 2026-05-15.

Conditions:
Hereditary cancer-predisposing syndrome. Also called: Tumor predisposition; Neoplastic Syndromes, Hereditary; Hereditary neoplastic syndrome; Hereditary Cancer Syndrome. Identifiers: Orphanet 140162, MedGen C0027672, MeSH D009386, MONDO:0015356.
Tuberous sclerosis 2 (TSC2). Identifiers: Orphanet 805, MedGen C1860707, MONDO:0013199, OMIM 613254.

Submissions (2):

Ambry Genetics
Classification: Uncertain significance for Hereditary cancer-predisposing syndrome. Last evaluated: 2026-05-15. Review status: criteria provided, single submitter. Criteria: Ambry Variant Classification Scheme 2023. Collection method: clinical testing. Allele origin: germline.
Comment: The p.L596H variant (also known as c.1787T>A), located in coding exon 16 of the TSC2 gene, results from a T to A substitution at nucleotide position 1787. The leucine at codon 596 is replaced by histidine, an amino acid with similar properties. This amino acid position is well conserved in available vertebrate species. In addition, the in silico prediction for this alteration is inconclusive. Based on the available evidence, the clinical significance of this variant remains unclear.

Labcorp Genetics (formerly Invitae), Labcorp
Classification: Uncertain significance for Tuberous sclerosis 2. Last evaluated: 2021-10-21. Review status: criteria provided, single submitter. Criteria: Invitae Variant Classification Sherloc (09022015). Collection method: clinical testing. Allele origin: germline.
Comment: This sequence change replaces leucine with histidine at codon 596 of the TSC2 protein (p.Leu596His). The leucine residue is highly conserved and there is a moderate physicochemical difference between leucine and histidine. This variant is not present in population databases (ExAC no frequency). This variant has not been reported in the literature in individuals affected with TSC2-related conditions. Algorithms developed to predict the effect of missense changes on protein structure and function are either unavailable or do not agree on the potential impact of this missense change (SIFT: "Deleterious"; PolyPhen-2: "Possibly Damaging"; Align-GVGD: "Class C0"). In summary, the available evidence is currently insufficient to determine the role of this variant in disease. Therefore, it has been classified as a Variant of Uncertain Significance.